The following is an entry in ClinVar:

NM_000038.6(APC):c.958T>G (p.Ser320Ala)

Gene: APC (APC regulator of Wnt signaling pathway; plus strand). Cytogenetic location: 5q22.2.
Variant type: single nucleotide variant.
Coding change: c.958T>G on transcript NM_000038.6 (MANE Select); coding-DNA position 958, T replaced by G.
Protein change: p.Ser320Ala; replaces serine 320 with alanine.
Molecular consequence: missense variant. On other transcripts: intron variant (4).
Genome position (GRCh38, 1-based): chr5:112,818,990, T>G. VCF-style: chr5-112818990-T-G. GRCh37 (hg19) VCF-style: chr5-112154687-T-G.
Other names: c.958T>G, p.Ser320Ala (NM_001127510.3, NM_001354895.2, NM_001354896.2); c.904T>G, p.Ser302Ala (NM_001127511.3); c.988T>G, p.Ser330Ala (NM_001354897.2); c.883T>G, p.Ser295Ala (NM_001354898.2); c.874T>G, p.Ser292Ala (NM_001354899.2); c.781T>G, p.Ser261Ala (NM_001354900.2, NM_001354901.2); c.109T>G, p.Ser37Ala (NM_001354906.2); c.964-279T>G (NM_001354902.2); and 3 more; short protein forms S320A, S302A, S295A, S261A, S330A, S292A, S37A.
Identifiers: ClinVar variation 470157 (VCV000470157.10), dbSNP rs1554079952, ClinGen allele CA16023407.

ClinVar aggregate classification (germline): Uncertain significance (1 of 4 stars; one submission).

Conditions:
Familial adenomatous polyposis 1 (FAP1). Also called: POLYPOSIS, ADENOMATOUS INTESTINAL; FAMILIAL ADENOMATOUS POLYPOSIS 1, ATTENUATED. Identifiers: MedGen C2713442, MONDO:0021056, OMIM 175100. Disease mechanism: loss of function.

Submission:

Labcorp Genetics (formerly Invitae), Labcorp
Classification: Uncertain significance for Familial adenomatous polyposis 1. Last evaluated: 2024-01-22. Review status: criteria provided, single submitter. Criteria: Invitae Variant Classification Sherloc (09022015). Collection method: clinical testing. Allele origin: germline.
Comment: This sequence change replaces serine, which is neutral and polar, with alanine, which is neutral and non-polar, at codon 320 of the APC protein (p.Ser320Ala). This variant is not present in population databases (gnomAD no frequency). This variant has not been reported in the literature in individuals affected with APC-related conditions. ClinVar contains an entry for this variant (Variation ID: 470157). Advanced modeling of protein sequence and biophysical properties (such as structural, functional, and spatial information, amino acid conservation, physicochemical variation, residue mobility, and thermodynamic stability) performed at Invitae indicates that this missense variant is not expected to disrupt APC protein function with a negative predictive value of 95%. In summary, the available evidence is currently insufficient to determine the role of this variant in disease. Therefore, it has been classified as a Variant of Uncertain Significance.